The following is an entry in ClinVar:

ClinVar aggregate classification (germline): Likely pathogenic. Review status: criteria provided, multiple submitters, no conflicts (2 of 4 stars). 3 submissions from 3 submitters: Likely pathogenic (2). 1 of the submissions does not count toward it. Last evaluated 2024-01-23.

Conditions:
Marfan syndrome (MFS). Also called: Marfan syndrome type 1; Marfan syndrome, classic; Marfan's syndrome; FBN1-Related Marfan Syndrome; MARFAN SYNDROME, TYPE I. Identifiers: Orphanet 284963, Orphanet 558, MedGen C0024796, MONDO:0007947, OMIM 154700.
Marfan Syndrome/Loeys-Dietz Syndrome/Familial Thoracic Aortic Aneurysms and Dissections. Identifiers: MedGen CN229799.

Submissions (3):

Women's Health and Genetics/Laboratory Corporation of America, LabCorp
Classification: Likely pathogenic for Marfan Syndrome/Loeys-Dietz Syndrome/Familial Thoracic Aortic Aneurysms and Dissections. Last evaluated: 2024-01-23. Review status: criteria provided, single submitter. Criteria: LabCorp Variant Classification Summary - May 2015. Collection method: clinical testing. Allele origin: germline.
Comment: Variant summary: FBN1 c.2557T>A (p.Cys853Ser) results in a non-conservative amino acid change in the encoded protein sequence. Five of five in-silico tools predict a damaging effect of the variant on protein function. The variant was absent in 251376 control chromosomes (gnomAD). c.2557T>A has been reported in the literature in individuals affected with Marfan Syndrome (examples: Baetens_2011, Tan_2017). At-least one of these cases was reported as a de novo occurrence (Tan_2017). These data indicate that the variant may be associated with disease. The following publications have been ascertained in the context of this evaluation (PMID: 21542060, 35058154, 28973303). ClinVar contains an entry for this variant (Variation ID: 549093). Based on the evidence outlined above, the variant was classified as likely pathogenic.

Centre of Medical Genetics, University of Antwerp
Classification: Likely pathogenic for Marfan syndrome. Last evaluated: 2021-03-01. Review status: criteria provided, single submitter. Criteria: Submitter's publication. Collection method: research. Allele origin: unknown. Affected: yes.
Comment: PM2, PS5, PP4

Center for Medical Genetics Ghent, University of Ghent
Classification: Likely pathogenic for Marfan syndrome. Last evaluated: 2017-11-07. Review status: no assertion criteria provided. Collection method: clinical testing. Allele origin: germline. Affected: yes. Not counted in ClinVar's aggregate classification.

Literature cited by the submitters: PubMed 21542060 (cited by Women's Health and Genetics/Laboratory Corporation of America, LabCorp); PubMed 28973303 (cited by Women's Health and Genetics/Laboratory Corporation of America, LabCorp); PubMed 35058154 (cited by Women's Health and Genetics/Laboratory Corporation of America, LabCorp).

NM_000138.5(FBN1):c.2557T>A (p.Cys853Ser)

Gene: FBN1 (fibrillin 1; minus strand). Cytogenetic location: 15q21.1.
Variant type: single nucleotide variant.
Coding change: c.2557T>A on transcript NM_000138.5 (MANE Select); coding-DNA position 2557, T replaced by A.
Protein change: p.Cys853Ser; replaces cysteine 853 with serine.
Molecular consequence: missense variant.
Genome position (GRCh38, 1-based): chr15:48,495,243, A>T on the plus strand (T>A on the coding strand, the complement: FBN1 is on the minus strand). VCF-style: chr15-48495243-A-T. GRCh37 (hg19) VCF-style: chr15-48787440-A-T.
Other names: short protein forms C853S.
Identifiers: ClinVar variation 549093 (VCV000549093.19), dbSNP rs1555399165, ClinGen allele CA392332883.